The following is an entry in ClinVar:

NM_001130438.3(SPTAN1):c.5478+110C>G

Gene: SPTAN1 (spectrin alpha, non-erythrocytic 1; plus strand). Cytogenetic location: 9q34.11.
Variant type: single nucleotide variant.
Coding change: c.5478+110C>G on transcript NM_001130438.3 (MANE Select); 110 bases into the intron after coding-DNA position 5478, C replaced by G.
Molecular consequence: intron variant.
Genome position (GRCh38, 1-based): chr9:128,617,870, C>G. VCF-style: chr9-128617870-C-G. GRCh37 (hg19) VCF-style: chr9-131380149-C-G.
Other names: c.5478+110C>G (NM_001363759.2); c.5463+110C>G (NM_003127.4); c.5418+110C>G (NM_001363765.2); c.5403+110C>G (NM_001195532.2).
Identifiers: ClinVar variation 675006 (VCV000675006.4), dbSNP rs3750332, ClinGen allele CA13020768.
Genomic context (GRCh38, chr9:128,617,870, plus strand): 5'-CCAGGGGACAGACAAACCCCTTGCGCTTATTTCACTGAGGTCCCTAAAGTGTTCATGACC[C>G]CTCAGTCCAAACCTGGAGAAGTCCCAAACTTGATGTTGAGGCCTTTTCCTGGGAGCTTCG-3'

ClinVar aggregate classification (germline): Benign. Review status: criteria provided, multiple submitters, no conflicts (2 of 4 stars). 3 submissions from 3 submitters: Benign (3). Last evaluated 2024-07-31.

Allele frequency attached by ClinVar (database versions not stated): 1000 Genomes Project 30x 0.66552; TOPMed 0.73832; 1000 Genomes Project 0.67272; gnomAD 0.76653.
gnomAD v4.1: 1,440,521 of 1,611,656 alleles (89%); highest among the groups gnomAD compares: Non-Finnish European, 94%; 657,120 homozygotes.

Submissions (3):

Unidad de Genómica Garrahan, Hospital de Pediatría Garrahan
Classification: Benign. Last evaluated: 2024-07-31. Review status: criteria provided, single submitter. Criteria: ACMG Guidelines, 2015. Collection method: clinical testing. Allele origin: germline. Affected: no. Observed: 88 variant alleles.
Comment: This variant is classified as Benign based on local population frequency. This variant was detected in 95% of patients studied in a panel designed for Epileptic and Developmental Encephalopathy, Progressive Myoclonus Epilepsy and Abnormal Movements and Neurodegeneration with brain iron accumulation. Number of patients: 88. Only high quality variants are reported.

GeneDx
Classification: Benign. Last evaluated: 2018-06-14. Review status: criteria provided, single submitter. Criteria: GeneDx Variant Classification (06012015). Collection method: clinical testing. Allele origin: germline. Affected: yes.
Comment: This variant is considered likely benign or benign based on one or more of the following criteria: it is a conservative change, it occurs at a poorly conserved position in the protein, it is predicted to be benign by multiple in silico algorithms, and/or has population frequency not consistent with disease.

Breakthrough Genomics
Classification: Benign. Review status: criteria provided, single submitter. Criteria: ACMG Guidelines, 2015. Collection method: not provided. Allele origin: germline. Inheritance: Autosomal dominant inheritance. Affected: yes.